The following is an entry in ClinVar:

ClinVar aggregate classification (germline): Benign. Review status: criteria provided, multiple submitters, no conflicts (2 of 4 stars). 13 submissions from 9 submitters: Benign (11). 2 of the submissions do not count toward it. Last evaluated 2026-02-04.

Conditions:
Chondrodysplasia Blomstrand type (BOCD). Identifiers: Orphanet 50945, MedGen C1859148, MONDO:0008970, OMIM 215045.
Primary failure of tooth eruption. Also called: DENTAL NONERUPTION; PRIMARY RETENTION OF TEETH; UNERUPTED SECOND PRIMARY MOLAR; POSTERIOR OPENBITE MALOCCLUSION, FAMILIAL. Identifiers: Orphanet 412206, MedGen C1852222, MONDO:0007434, OMIM 125350.
Metaphyseal chondrodysplasia, Jansen type. Also called: PTH1R-Related Jansen Metaphyseal Chondrodysplasia; Metaphyseal chondrodysplasia Murk Jansen type. Identifiers: Orphanet 33067, MedGen C0265295, MONDO:0007982, OMIM 156400.
Eiken syndrome (EKNS). Also called: BONE MODELING DEFECT OF HANDS AND FEET. Identifiers: Orphanet 79106, MedGen C1838779, MONDO:0010803, OMIM 600002.

Allele frequency attached by ClinVar (database versions not stated): gnomAD exomes 0.60756; ExAC 0.61407; 1000 Genomes Project 0.64337; 1000 Genomes Project 30x 0.65397; gnomAD 0.66388 and 0.66915; TOPMed 0.66801; ESP Exome Variant Server 0.67969.
gnomAD v4.1: 1,001,149 of 1,613,412 alleles (62%); highest among the groups gnomAD compares: African/African-American, 81%; 313,152 homozygotes.

Submissions (13):

Labcorp Genetics (formerly Invitae), Labcorp
Classification: Benign. Last evaluated: 2026-02-04. Review status: criteria provided, single submitter. Criteria: Invitae Variant Classification Sherloc (09022015). Collection method: clinical testing. Allele origin: germline.

Blueprint Genetics
Classification: Benign. Last evaluated: 2024-11-26. Review status: criteria provided, single submitter. Criteria: ACMG Guidelines, 2015. Collection method: clinical testing. Allele origin: germline.

Genome-Nilou Lab
Classification: Benign for Chondrodysplasia Blomstrand type. Last evaluated: 2021-11-07. Review status: criteria provided, single submitter. Criteria: ACMG Guidelines, 2015. Collection method: clinical testing. Allele origin: germline. Affected: no.

Genome-Nilou Lab
Classification: Benign for Eiken syndrome. Last evaluated: 2021-11-07. Review status: criteria provided, single submitter. Criteria: ACMG Guidelines, 2015. Collection method: clinical testing. Allele origin: germline. Affected: no.

Genome-Nilou Lab
Classification: Benign for Primary failure of tooth eruption. Last evaluated: 2021-11-07. Review status: criteria provided, single submitter. Criteria: ACMG Guidelines, 2015. Collection method: clinical testing. Allele origin: germline. Affected: no.

Genome-Nilou Lab
Classification: Benign for Metaphyseal chondrodysplasia, Jansen type. Last evaluated: 2021-11-07. Review status: criteria provided, single submitter. Criteria: ACMG Guidelines, 2015. Collection method: clinical testing. Allele origin: germline. Affected: no.

Mayo Clinic Laboratories, Mayo Clinic
Classification: Benign. Last evaluated: 2021-04-07. Review status: criteria provided, single submitter. Criteria: ACMG Guidelines, 2015. Collection method: clinical testing. Allele origin: germline. Observed: 1 variant allele.

GeneDx
Classification: Benign. Last evaluated: 2018-11-12. Review status: criteria provided, single submitter. Criteria: GeneDx Variant Classification Process June 2021. Collection method: clinical testing. Allele origin: germline. Affected: yes.

Illumina Laboratory Services, Illumina
Classification: Benign for Metaphyseal chondrodysplasia, Jansen type. Last evaluated: 2018-01-13. Review status: criteria provided, single submitter. Criteria: ICSL Variant Classification Criteria 13 December 2019. Collection method: clinical testing. Allele origin: germline.
Comment: This variant was observed in the ICSL laboratory as part of a predisposition screen in an ostensibly healthy population. It had not been previously curated by ICSL or reported in the Human Gene Mutation Database (HGMD: prior to June 1st, 2018), and was therefore a candidate for classification through an automated scoring system. Utilizing variant allele frequency, disease prevalence and penetrance estimates, and inheritance mode, an automated score was calculated to assess if this variant is too frequent to cause the disease. Based on the score and internal cut-off values, a variant classified as benign is not then subjected to further curation. The score for this variant resulted in a classification of benign for this disease.

Illumina Laboratory Services, Illumina
Classification: Benign for Chondrodysplasia Blomstrand type. Last evaluated: 2018-01-13. Review status: criteria provided, single submitter. Criteria: ICSL Variant Classification Criteria 13 December 2019. Collection method: clinical testing. Allele origin: germline.
Comment: the same text as in the submission from Illumina Laboratory Services, Illumina above.

Breakthrough Genomics
Classification: Benign. Review status: criteria provided, single submitter. Criteria: ACMG Guidelines, 2015. Collection method: not provided. Allele origin: germline. Inheritance: Autosomal recessive inheritance. Affected: yes.

Diagnostic Laboratory, Department of Genetics, University Medical Center Groningen
Classification: Benign. Review status: no assertion criteria provided. Collection method: clinical testing. Allele origin: germline. Affected: yes. Study: VKGL Data-share Consensus. Not counted in ClinVar's aggregate classification.

Joint Genome Diagnostic Labs from Nijmegen and Maastricht, Radboudumc and MUMC+
Classification: Benign. Review status: no assertion criteria provided. Collection method: clinical testing. Allele origin: germline. Affected: yes. Study: VKGL Data-share Consensus. Not counted in ClinVar's aggregate classification.

NM_000316.3(PTH1R):c.1389T>C (p.Asn463=)

Gene: PTH1R (parathyroid hormone 1 receptor; plus strand). Cytogenetic location: 3p21.31.
Variant type: single nucleotide variant.
Coding change: c.1389T>C on transcript NM_000316.3 (MANE Select); coding-DNA position 1389, T replaced by C.
Protein change: p.Asn463=; no amino-acid change (asparagine 463 retained).
Molecular consequence: synonymous variant.
Genome position (GRCh38, 1-based): chr3:46,902,784, T>C. VCF-style: chr3-46902784-T-C. GRCh37 (hg19) VCF-style: chr3-46944274-T-C.
Other names: p.Asn463=; c.1389T>C, p.Asn463= (NM_001184744.1).
Identifiers: ClinVar variation 345596 (VCV000345596.25), dbSNP rs1138518, ClinGen allele CA2359511.